The following is an entry in ClinVar:

NM_001122769.3(LCA5):c.774_777del (p.Ala259fs)

Gene: LCA5 (lebercilin LCA5; minus strand). Cytogenetic location: 6q14.1.
Variant type: Microsatellite.
Coding change: c.774_777del on transcript NM_001122769.3 (MANE Select); coding-DNA positions 774 to 777, 4 bases deleted (TGCT; older notation c.774_777delTGCT).
Protein change: p.Ala259fs; shifts the reading frame from alanine 259.
Molecular consequence: frameshift variant.
Genome position (GRCh38, 1-based): chr6:79,493,694-79,493,697, AGCA deleted on the plus strand (TGCT on the coding strand, the reverse complement: LCA5 is on the minus strand); deleting any 4 consecutive bases within chr6:79,493,694-79,493,702 gives the same sequence; the c. name uses the placement nearest the transcript's 3' end. VCF-style (leftmost placement, unchanged base first): chr6-79493693-CAGCA-C. GRCh37 (hg19) VCF-style: chr6-80203410-CAGCA-C.
Other names: c.774_777del, p.Ala259fs (NM_181714.4); short protein forms A259fs.
Identifiers: ClinVar variation 3639270 (VCV003639270.2).

ClinVar aggregate classification (germline): Pathogenic (1 of 4 stars; one submission).

Submission:

Labcorp Genetics (formerly Invitae), Labcorp
Classification: Pathogenic. Last evaluated: 2024-02-06. Review status: criteria provided, single submitter. Criteria: Invitae Variant Classification Sherloc (09022015). Collection method: clinical testing. Allele origin: germline.
Comment: This sequence change creates a premature translational stop signal (p.Ala259Lysfs*26) in the LCA5 gene. It is expected to result in an absent or disrupted protein product. Loss-of-function variants in LCA5 are known to be pathogenic (PMID: 17546029, 23946133). This variant is not present in population databases (gnomAD no frequency). This variant has not been reported in the literature in individuals affected with LCA5-related conditions. For these reasons, this variant has been classified as Pathogenic.

Literature cited by the submitters: PubMed 17546029; PubMed 23946133.